The following is an entry in ClinVar:

ClinVar aggregate classification (germline): Uncertain significance (1 of 4 stars; one submission).

Allele frequency attached by ClinVar (database versions not stated): TOPMed below 0.00001; ExAC 0.00001; gnomAD 0.00001.
gnomAD v4.1: 12 of 1,614,044 alleles (0.00074%); highest among the groups gnomAD compares: Middle Eastern, 0.016%; no homozygotes.

Submission:

Labcorp Genetics (formerly Invitae), Labcorp
Classification: Uncertain significance. Last evaluated: 2024-11-11. Review status: criteria provided, single submitter. Criteria: Invitae Variant Classification Sherloc (09022015). Collection method: clinical testing. Allele origin: germline.
Comment: This sequence change replaces methionine, which is neutral and non-polar, with lysine, which is basic and polar, at codon 20 of the TMPRSS15 protein (p.Met20Lys). This variant is present in population databases (rs757204851, gnomAD 0.007%). This variant has not been reported in the literature in individuals affected with TMPRSS15-related conditions. ClinVar contains an entry for this variant (Variation ID: 1976804). An algorithm developed to predict the effect of missense changes on protein structure and function (PolyPhen-2) suggests that this variant is likely to be tolerated. In summary, the available evidence is currently insufficient to determine the role of this variant in disease. Therefore, it has been classified as a Variant of Uncertain Significance.

NM_002772.3(TMPRSS15):c.59T>A (p.Met20Lys)

Gene: TMPRSS15 (transmembrane serine protease 15; minus strand). Cytogenetic location: 21q21.1.
Variant type: single nucleotide variant.
Coding change: c.59T>A on transcript NM_002772.3 (MANE Select); coding-DNA position 59, T replaced by A.
Protein change: p.Met20Lys; replaces methionine 20 with lysine.
Molecular consequence: missense variant.
Genome position (GRCh38, 1-based): chr21:18,403,564, A>T on the plus strand (T>A on the coding strand, the complement: TMPRSS15 is on the minus strand). VCF-style: chr21-18403564-A-T. GRCh37 (hg19) VCF-style: chr21-19775881-A-T.
Other names: short protein forms M20K.
Identifiers: ClinVar variation 1976804 (VCV001976804.4), dbSNP rs757204851, ClinGen allele CA9984876.